The following is an entry in ClinVar:

NM_170753.3(PGBD3):c.186G>A (p.Ala62=)

Genes: PGBD3 (piggyBac transposable element derived 3; minus strand), ERCC6 (ERCC excision repair 6, chromatin remodeling factor; minus strand). Cytogenetic location: 10q11.23.
Variant type: single nucleotide variant.
Coding change: c.186G>A on transcript NM_170753.3; coding-DNA position 186, G replaced by A.
Protein change: p.Ala62=; no amino-acid change (alanine 62 retained).
Molecular consequence: synonymous variant. On other transcripts: intron variant (2).
Genome position (GRCh38, 1-based): chr10:49,516,929, C>T on the plus strand (G>A on the coding strand, the complement: PGBD3 is on the minus strand). VCF-style: chr10-49516929-C-T. GRCh37 (hg19) VCF-style: chr10-50724975-C-T.
Other names: c.1590G>A, p.Ala530= (NM_001277058.2, NM_001277059.2); c.1397+7104G>A (NM_001346440.2, NM_000124.4).
Identifiers: ClinVar variation 3053001 (VCV003053001.2), dbSNP rs201468099, ClinGen allele CA5496284.
Genomic context (GRCh38, chr10:49,516,929, plus strand): 5'-AGGTGCGTATGAGGGATCATCTGAGTCAGACTCAGCATCAGAGCCATCTTGAATAAGATA[C>T]GCAGCTGTGTGCAACAAAGAACCTGGCAGATTATTTATTGTTCCACCTTCTTCATCTCCT-3'

ClinVar aggregate classification (germline): Likely benign (0 of 4 stars; one submission).

Conditions:
PGBD3-related disorder. Also called: PGBD3-related condition.

Allele frequency attached by ClinVar (database versions not stated): gnomAD 0.00001; gnomAD exomes 0.00004; ExAC 0.00013.
gnomAD v4.1: 69 of 1,613,908 alleles (0.0043%); highest among the groups gnomAD compares: Middle Eastern, 0.066%; 2 homozygotes.

Submission:

PreventionGenetics, part of Exact Sciences
Classification: Likely benign for PGBD3-related condition. Last evaluated: 2019-09-09. Review status: no assertion criteria provided. Collection method: clinical testing. Allele origin: germline.
Comment: This variant is classified as likely benign based on ACMG/AMP sequence variant interpretation guidelines (Richards et al. 2015 PMID: 25741868, with internal and published modifications).